The following is an entry in ClinVar:

NM_001267550.2(TTN):c.72106A>G (p.Lys24036Glu)

Genes: TTN (titin; minus strand), TTN-AS1 (TTN antisense RNA 1; plus strand). Cytogenetic location: 2q31.2.
Variant type: single nucleotide variant.
Coding change: c.72106A>G on transcript NM_001267550.2 (MANE Select); coding-DNA position 72106, A replaced by G.
Protein change: p.Lys24036Glu; replaces lysine 24036 with glutamic acid.
Molecular consequence: missense variant.
Genome position (GRCh38, 1-based): chr2:178,574,026, T>C on the plus strand (A>G on the coding strand, the complement: TTN is on the minus strand). VCF-style: chr2-178574026-T-C. GRCh37 (hg19) VCF-style: chr2-179438753-T-C.
Other names: c.67183A>G, p.Lys22395Glu (NM_001256850.1); c.44911A>G, p.Lys14971Glu (NM_003319.4); c.64402A>G, p.Lys21468Glu (NM_133378.4); c.45286A>G, p.Lys15096Glu (NM_133432.3); c.45487A>G, p.Lys15163Glu (NM_133437.4); short protein forms K24036E, K22395E, K15096E, K14971E, K15163E, K21468E.
Identifiers: ClinVar variation 570476 (VCV000570476.8), dbSNP rs544263357, ClinGen allele CA1990545.

ClinVar aggregate classification (germline): Uncertain significance (1 of 4 stars; one submission).

Conditions:
Dilated cardiomyopathy 1G (CMD1G). Identifiers: Orphanet 154, MedGen C1858763, MONDO:0011400, OMIM 604145.
Autosomal recessive limb-girdle muscular dystrophy type 2J (LGMDR10). Also called: Limb-girdle muscular dystrophy, type 2J; MUSCULAR DYSTROPHY, LIMB-GIRDLE, AUTOSOMAL RECESSIVE 10. Identifiers: Orphanet 140922, MedGen C1837342, MONDO:0012127, OMIM 608807.

Allele frequency attached by ClinVar (database versions not stated): TOPMed 0.00002.
gnomAD v4.1: 4 of 1,613,336 alleles (0.00025%); highest among the groups gnomAD compares: African/African-American, 0.004%; no homozygotes.

Submission:

Labcorp Genetics (formerly Invitae), Labcorp
Classification: Uncertain significance for Dilated cardiomyopathy 1G; Autosomal recessive limb-girdle muscular dystrophy type 2J. Last evaluated: 2025-01-13. Review status: criteria provided, single submitter. Criteria: Invitae Variant Classification Sherloc (09022015). Collection method: clinical testing. Allele origin: germline.
Comment: This sequence change replaces lysine, which is basic and polar, with glutamic acid, which is acidic and polar, at codon 24036 of the TTN protein (p.Lys24036Glu). This variant is present in population databases (rs544263357, gnomAD 0.01%). This missense change has been observed in individual(s) with clinical features of autosomal recessive TTN-related conditions (internal data). ClinVar contains an entry for this variant (Variation ID: 570476). Experimental studies and prediction algorithms are not available or were not evaluated, and the functional significance of this variant is currently unknown. This variant is located in the A band of TTN (PMID: 25589632). Variants in this region may be relevant for cardiac or neuromuscular disorders (PMID: 25589632, 23975875). In summary, the available evidence is currently insufficient to determine the role of this variant in disease. Therefore, it has been classified as a Variant of Uncertain Significance.

Literature cited by the submitters: PubMed 25589632; PubMed 23975875.